The following is an entry in ClinVar:

ClinVar aggregate classification (germline): Uncertain significance (1 of 4 stars; one submission).

Conditions:
Hypertrophic cardiomyopathy. Also called: HYPERTROPHIC MYOCARDIOPATHY. Identifiers: Orphanet 217569, MedGen C0007194, MeSH D002312, MONDO:0005045, HP:0001639.

gnomAD v4.1: 22 of 1,613,382 alleles (0.0014%); highest among the groups gnomAD compares: African/African-American, 0.019%; no homozygotes.

Submission:

Labcorp Genetics (formerly Invitae), Labcorp
Classification: Uncertain significance for Hypertrophic cardiomyopathy. Last evaluated: 2025-09-28. Review status: criteria provided, single submitter. Criteria: Invitae Variant Classification Sherloc (09022015). Collection method: clinical testing. Allele origin: germline.
Comment: This sequence change replaces valine, which is neutral and non-polar, with methionine, which is neutral and non-polar, at codon 22 of the MYOM1 protein (p.Val22Met). This variant is present in population databases (rs1791085, gnomAD 0.03%). This variant has not been reported in the literature in individuals affected with MYOM1-related conditions. ClinVar contains an entry for this variant (Variation ID: 942621). An algorithm developed to predict the effect of missense changes on protein structure and function (PolyPhen-2) suggests that this variant is likely to be tolerated. In summary, the available evidence is currently insufficient to determine the role of this variant in disease. Therefore, it has been classified as a Variant of Uncertain Significance.

NM_003803.4(MYOM1):c.64G>A (p.Val22Met)

Gene: MYOM1 (myomesin 1; minus strand). Cytogenetic location: 18p11.31.
Variant type: single nucleotide variant.
Coding change: c.64G>A on transcript NM_003803.4 (MANE Select); coding-DNA position 64, G replaced by A.
Protein change: p.Val22Met; replaces valine 22 with methionine.
Molecular consequence: missense variant.
Genome position (GRCh38, 1-based): chr18:3,215,160, C>T on the plus strand (G>A on the coding strand, the complement: MYOM1 is on the minus strand). VCF-style: chr18-3215160-C-T. GRCh37 (hg19) VCF-style: chr18-3215158-C-T.
Other names: c.64G>A, p.Val22Met (NM_019856.2); short protein forms V22M.
Identifiers: ClinVar variation 942621 (VCV000942621.7), dbSNP rs1791085, ClinGen allele CA8875380.